The following is an entry in ClinVar:

ClinVar aggregate classification (germline): Uncertain significance. Review status: criteria provided, multiple submitters, no conflicts (2 of 4 stars). 2 submissions from 2 submitters: Uncertain significance (2). Last evaluated 2024-12-07.

Conditions:
3-Methylglutaconic aciduria type 2 (BTHS). Also called: CARDIOSKELETAL MYOPATHY WITH NEUTROPENIA AND ABNORMAL MITOCHONDRIA; Barth syndrome. Identifiers: Orphanet 111, MedGen C0574083, MONDO:0010543, OMIM 302060.

Allele frequency attached by ClinVar (database versions not stated): TOPMed 0.00002.
gnomAD v4.1: 3 of 1,212,316 alleles (0.00025%); highest among the groups gnomAD compares: Non-Finnish European, 0.00033%; no homozygotes.

Submissions (2):

GeneDx
Classification: Uncertain significance. Last evaluated: 2024-12-07. Review status: criteria provided, single submitter. Criteria: GeneDx Variant Classification Process June 2021. Collection method: clinical testing. Allele origin: germline. Affected: yes.
Comment: Not observed at significant frequency in large population cohorts (gnomAD); In silico analysis supports that this missense variant has a deleterious effect on protein structure/function; Has not been previously published as pathogenic or benign to our knowledge

Labcorp Genetics (formerly Invitae), Labcorp
Classification: Uncertain significance for 3-Methylglutaconic aciduria type 2. Last evaluated: 2024-06-28. Review status: criteria provided, single submitter. Criteria: Invitae Variant Classification Sherloc (09022015). Collection method: clinical testing. Allele origin: germline.
Comment: This sequence change replaces arginine, which is basic and polar, with histidine, which is basic and polar, at codon 191 of the TAZ protein (p.Arg191His). This variant is not present in population databases (gnomAD no frequency). This variant has not been reported in the literature in individuals affected with TAZ-related conditions. ClinVar contains an entry for this variant (Variation ID: 234469). An algorithm developed to predict the effect of missense changes on protein structure and function (PolyPhen-2) suggests that this variant is likely to be disruptive. In summary, the available evidence is currently insufficient to determine the role of this variant in disease. Therefore, it has been classified as a Variant of Uncertain Significance.

NM_000116.5(TAFAZZIN):c.572G>A (p.Arg191His)

Gene: TAFAZZIN (tafazzin, phospholipid-lysophospholipid transacylase; plus strand). Cytogenetic location: Xq28.
Variant type: single nucleotide variant.
Coding change: c.572G>A on transcript NM_000116.5 (MANE Select); coding-DNA position 572, G replaced by A.
Protein change: p.Arg191His; replaces arginine 191 with histidine.
Molecular consequence: missense variant. On other transcripts: non-coding transcript variant (1), intron variant (3).
Genome position (GRCh38, 1-based): chrX:154,419,735, G>A. VCF-style: chrX-154419735-G-A. GRCh37 (hg19) VCF-style: chrX-153648074-G-A.
Other names: c.482G>A, p.Arg161His (NM_181311.4); c.595+112G>A (NM_001303465.2); c.541+112G>A (NM_181312.4); c.451+112G>A (NM_181313.4); short protein forms R191H, R161H.
Identifiers: ClinVar variation 234469 (VCV000234469.5), dbSNP rs876661034, ClinGen allele CA10577653.